The following is an entry in ClinVar:

NM_001931.5(DLAT):c.572C>T (p.Ala191Val)

Gene: DLAT (dihydrolipoamide S-acetyltransferase; plus strand). Cytogenetic location: 11q23.1.
Variant type: single nucleotide variant.
Coding change: c.572C>T on transcript NM_001931.5 (MANE Select); coding-DNA position 572, C replaced by T.
Protein change: p.Ala191Val; replaces alanine 191 with valine.
Molecular consequence: missense variant. On other transcripts: non-coding transcript variant (1), intron variant (2).
Genome position (GRCh38, 1-based): chr11:112,028,857, C>T. VCF-style: chr11-112028857-C-T. GRCh37 (hg19) VCF-style: chr11-111899581-C-T.
Other names: p.A191V:GCG>GTG; c.572C>T, p.Ala191Val (NM_001372031.1, NM_001372032.1, NM_001372033.1 and 3 more transcripts); c.539C>T, p.Ala180Val (NM_001372034.1); c.446C>T, p.Ala149Val (NM_001372036.1); c.404C>T, p.Ala135Val (NM_001372037.1); c.110C>T, p.Ala37Val (NM_001372042.1); c.381+2558C>T (NM_001372038.1); c.364+2575C>T (NM_001372040.1); short protein forms A191V, A149V, A37V, A135V, A180V.
Identifiers: ClinVar variation 214292 (VCV000214292.10), dbSNP rs200500508, ClinGen allele CA323171.

ClinVar aggregate classification (germline): Conflicting classifications of pathogenicity. Review status: criteria provided, conflicting classifications (1 of 4 stars). 5 submissions from 5 submitters: Uncertain significance (4); Likely benign (1). Last evaluated 2026-07-01.

Conditions:
Inborn genetic diseases. Identifiers: MedGen C0950123, MeSH D030342.
Pyruvate dehydrogenase E2 deficiency (PDHDD). Also called: Dihydrolipoamide Acetyltransferase (E2) Deficiency; LACTIC ACIDEMIA DUE TO DEFECT OF E2 LIPOYL TRANSACETYLASE OF THE PYRUVATE DEHYDROGENASE COMPLEX. Identifiers: Orphanet 765, Orphanet 79244, MedGen C1855565, MONDO:0009502, OMIM 245348.

Allele frequency attached by ClinVar (database versions not stated): ExAC 0.00004; ESP Exome Variant Server 0.00008; TOPMed 0.00012; gnomAD 0.00016.
gnomAD v4.1: 242 of 1,614,026 alleles (0.015%); highest among the groups gnomAD compares: Admixed American, 0.028%; no homozygotes.

Submissions (5):

CeGaT Center for Human Genetics Tuebingen
Classification: Likely benign. Last evaluated: 2026-07-01. Review status: criteria provided, single submitter. Criteria: CeGaT Center For Human Genetics Tuebingen Variant Classification Criteria Version 2. Collection method: clinical testing. Allele origin: germline. Affected: yes. Observed: 1 variant allele.
Comment: DLAT: BP4

Ambry Genetics
Classification: Uncertain significance for Inborn genetic diseases. Last evaluated: 2023-12-22. Review status: criteria provided, single submitter. Criteria: Ambry Variant Classification Scheme 2023. Collection method: clinical testing. Allele origin: germline.

GeneDx
Classification: Uncertain significance. Last evaluated: 2023-07-03. Review status: criteria provided, single submitter. Criteria: GeneDx Variant Classification Process June 2021. Collection method: clinical testing. Allele origin: germline. Affected: yes.
Comment: In silico analysis supports that this missense variant does not alter protein structure/function; Has not been previously published as pathogenic or benign to our knowledge

Labcorp Genetics (formerly Invitae), Labcorp
Classification: Uncertain significance for Pyruvate dehydrogenase E2 deficiency. Last evaluated: 2022-10-25. Review status: criteria provided, single submitter. Criteria: Invitae Variant Classification Sherloc (09022015). Collection method: clinical testing. Allele origin: germline.
Comment: This sequence change replaces alanine, which is neutral and non-polar, with valine, which is neutral and non-polar, at codon 191 of the DLAT protein (p.Ala191Val). This variant is present in population databases (rs200500508, gnomAD 0.03%). This variant has not been reported in the literature in individuals affected with DLAT-related conditions. ClinVar contains an entry for this variant (Variation ID: 214292). Advanced modeling of protein sequence and biophysical properties (such as structural, functional, and spatial information, amino acid conservation, physicochemical variation, residue mobility, and thermodynamic stability) performed at Invitae indicates that this missense variant is not expected to disrupt DLAT protein function. In summary, the available evidence is currently insufficient to determine the role of this variant in disease. Therefore, it has been classified as a Variant of Uncertain Significance.

Mayo Clinic Laboratories, Mayo Clinic
Classification: Uncertain significance for Pyruvate dehydrogenase E2 deficiency. Last evaluated: 2016-11-07. Review status: criteria provided, single submitter. Criteria: ACMG Guidelines, 2015. Collection method: clinical testing. Allele origin: paternal.